The following is an entry in ClinVar:

NM_003073.5(SMARCB1):c.19A>T (p.Ser7Cys)

Gene: SMARCB1 (SWI/SNF related BAF chromatin remodeling complex subunit B1; plus strand). Cytogenetic location: 22q11.23.
Variant type: single nucleotide variant.
Coding change: c.19A>T on transcript NM_003073.5 (MANE Select); coding-DNA position 19, A replaced by T.
Protein change: p.Ser7Cys; replaces serine 7 with cysteine.
Molecular consequence: missense variant.
Genome position (GRCh38, 1-based): chr22:23,787,188, A>T. VCF-style: chr22-23787188-A-T. GRCh37 (hg19) VCF-style: chr22-24129375-A-T.
Other names: c.19A>T, p.Ser7Cys (NM_001007468.3, NM_001317946.2, NM_001362877.2); short protein forms S7C.
Identifiers: ClinVar variation 3446076 (VCV003446076.1).

ClinVar aggregate classification (germline): Uncertain significance (1 of 4 stars; one submission).

Conditions:
Hereditary cancer-predisposing syndrome. Also called: Tumor predisposition; Neoplastic Syndromes, Hereditary; Hereditary neoplastic syndrome; Hereditary Cancer Syndrome. Identifiers: Orphanet 140162, MedGen C0027672, MeSH D009386, MONDO:0015356.

Submission:

Ambry Genetics
Classification: Uncertain significance for Hereditary cancer-predisposing syndrome. Last evaluated: 2024-08-05. Review status: criteria provided, single submitter. Criteria: Ambry Variant Classification Scheme 2023. Collection method: clinical testing. Allele origin: germline.
Comment: The p.S7C variant (also known as c.19A>T), located in coding exon 1 of the SMARCB1 gene, results from an A to T substitution at nucleotide position 19. The serine at codon 7 is replaced by cysteine, an amino acid with dissimilar properties. This amino acid position is conserved. In addition, the in silico prediction for this alteration is inconclusive. Based on the available evidence, the clinical significance of this variant remains unclear.